The following is an entry in ClinVar:

NM_001128178.3(NPHP1):c.313A>T (p.Arg105Ter)

Gene: NPHP1 (nephrocystin 1; minus strand). Cytogenetic location: 2q13.
Variant type: single nucleotide variant.
Coding change: c.313A>T on transcript NM_001128178.3 (MANE Select); coding-DNA position 313, A replaced by T.
Protein change: p.Arg105Ter; replaces arginine 105 with a stop codon.
Molecular consequence: nonsense. On other transcripts: intron variant (1).
Genome position (GRCh38, 1-based): chr2:110,178,439, T>A on the plus strand (A>T on the coding strand, the complement: NPHP1 is on the minus strand). VCF-style: chr2-110178439-T-A. GRCh37 (hg19) VCF-style: chr2-110936016-T-A.
Other names: c.313A>T, p.Arg105Ter (NM_000272.5, NM_001374256.1, NM_001374257.1 and 1 more transcripts); c.144-8441A>T (NM_001128179.3); short protein forms R105*.
Identifiers: ClinVar variation 5006056 (VCV005006056.2).

ClinVar aggregate classification (germline): Likely pathogenic (1 of 4 stars; one submission).

Conditions:
Joubert syndrome with renal defect. Also called: JOUBERT SYNDROME 4. Identifiers: Orphanet 220497, MedGen C1846790, MONDO:0012308, OMIM 609583.
Senior-Loken syndrome 1 (SLSN1). Also called: JUVENILE NEPHRONOPHTHISIS WITH LEBER AMAUROSIS. Identifiers: Orphanet 3156, MedGen C4551559, MONDO:0009962, OMIM 266900.
Nephronophthisis 1 (NPHP1). Also called: Nephronophthisis familial juvenile. Identifiers: Orphanet 655, Orphanet 93592, MedGen C1855681, MONDO:0009728, OMIM 256100.

Submission:

Juno Genomics, Hangzhou Juno Genomics, Inc
Classification: Likely pathogenic for Joubert syndrome with renal defect; Nephronophthisis 1; Senior-Loken syndrome 1. Review status: criteria provided, single submitter. Criteria: ACMG Guidelines, 2015. Collection method: clinical testing. Allele origin: germline.
Comment: Null variant in a gene where loss of function (LOF) is a known mechanism of disease.;Absent from controls (or at extremely low frequency if recessive) in Genome Aggregation Database.